The following is an entry in ClinVar:

ClinVar aggregate classification (germline): Pathogenic (1 of 4 stars; one submission).

Conditions:
Telangiectasia, hereditary hemorrhagic, type 2 (HHT2). Also called: Telangiectasia, hereditary hemorrhagic, type II; ACVRL1-Related Hereditary Hemorrhagic Telangiectasia. Identifiers: Orphanet 774, MedGen C1838163, MONDO:0010880, OMIM 600376. Disease mechanism: loss of function.

Submission:

Labcorp Genetics (formerly Invitae), Labcorp
Classification: Pathogenic for Telangiectasia, hereditary hemorrhagic, type 2. Last evaluated: 2022-12-10. Review status: criteria provided, single submitter. Criteria: Invitae Variant Classification Sherloc (09022015). Collection method: clinical testing. Allele origin: germline.
Comment: For these reasons, this variant has been classified as Pathogenic. This variant has not been reported in the literature in individuals affected with ACVRL1-related conditions. This variant is not present in population databases (gnomAD no frequency). This sequence change creates a premature translational stop signal (p.Arg67Glyfs*55) in the ACVRL1 gene. It is expected to result in an absent or disrupted protein product. Loss-of-function variants in ACVRL1 are known to be pathogenic (PMID: 15879500).

Literature cited by the submitters: PubMed 15879500.

NM_000020.3(ACVRL1):c.199del (p.Arg67fs)

Gene: ACVRL1 (activin A receptor like type 1; plus strand). Cytogenetic location: 12q13.13.
Variant type: Deletion.
Coding change: c.199del on transcript NM_000020.3 (MANE Select); coding-DNA position 199, one base deleted (C; older notation c.199delC).
Protein change: p.Arg67fs; shifts the reading frame from arginine 67.
Molecular consequence: frameshift variant. On other transcripts: intron variant (1).
Genome position (GRCh38, 1-based): chr12:51,913,236, C deleted. VCF-style (leftmost placement, unchanged base first): chr12-51913235-TC-T. GRCh37 (hg19) VCF-style: chr12-52307019-TC-T.
Other names: c.199del, p.Arg67fs (NM_001077401.2, NM_001406487.1, NM_001406488.1 and 6 more transcripts); c.61+701del (NM_001406495.1); short protein forms R67fs.
Identifiers: ClinVar variation 2819838 (VCV002819838.3), dbSNP rs2540158762, ClinGen allele CA2739272040.